The following is an entry in ClinVar:

NM_003872.3(NRP2):c.129C>T (p.Pro43=)

Gene: NRP2 (neuropilin 2; plus strand). Cytogenetic location: 2q33.3.
Variant type: single nucleotide variant.
Coding change: c.129C>T on transcript NM_003872.3 (MANE Select); coding-DNA position 129, C replaced by T.
Protein change: p.Pro43=; no amino-acid change (proline 43 retained).
Molecular consequence: synonymous variant.
Genome position (GRCh38, 1-based): chr2:205,697,599, C>T. VCF-style: chr2-205697599-C-T. GRCh37 (hg19) VCF-style: chr2-206562323-C-T.
Other names: c.129C>T, p.Pro43= (NM_018534.4, NM_201264.2, NM_201266.2 and 2 more transcripts).
Identifiers: ClinVar variation 3031943 (VCV003031943.2), dbSNP rs746895763, ClinGen allele CA2068695.

ClinVar aggregate classification (germline): Likely benign (0 of 4 stars; one submission).

Conditions:
NRP2-related disorder. Also called: NRP2-related condition.

Allele frequency attached by ClinVar (database versions not stated): ExAC 0.00002; TOPMed 0.00002; gnomAD 0.00003.
gnomAD v4.1: 55 of 1,613,862 alleles (0.0034%); highest among the groups gnomAD compares: East Asian, 0.038%; no homozygotes.

Submission:

PreventionGenetics, part of Exact Sciences
Classification: Likely benign for NRP2-related condition. Last evaluated: 2021-08-31. Review status: no assertion criteria provided. Collection method: clinical testing. Allele origin: germline.
Comment: This variant is classified as likely benign based on ACMG/AMP sequence variant interpretation guidelines (Richards et al. 2015 PMID: 25741868, with internal and published modifications).